The following is an entry in ClinVar:

ClinVar aggregate classification (germline): Uncertain significance (1 of 4 stars; one submission).

Conditions:
Duchenne muscular dystrophy (DMD). Also called: Duchenne Muscular Dystrophy (DMD); MUSCULAR DYSTROPHY, PSEUDOHYPERTROPHIC PROGRESSIVE, DUCHENNE TYPE. Identifiers: Orphanet 98896, MedGen C0013264, MONDO:0010679, OMIM 310200.

Submission:

Labcorp Genetics (formerly Invitae), Labcorp
Classification: Uncertain significance for Duchenne muscular dystrophy. Last evaluated: 2025-12-09. Review status: criteria provided, single submitter. Criteria: Invitae Variant Classification Sherloc (09022015). Collection method: clinical testing. Allele origin: germline.
Comment: This sequence change replaces leucine, which is neutral and non-polar, with proline, which is neutral and non-polar, at codon 2045 of the DMD protein (p.Leu2045Pro). This variant is not present in population databases (gnomAD no frequency). This variant has not been reported in the literature in individuals affected with DMD-related conditions. Invitae Evidence Modeling of protein sequence and biophysical properties (such as structural, functional, and spatial information, amino acid conservation, physicochemical variation, residue mobility, and thermodynamic stability) indicates that this missense variant is not expected to disrupt DMD protein function with a negative predictive value of 95%. In summary, the available evidence is currently insufficient to determine the role of this variant in disease. Therefore, it has been classified as a Variant of Uncertain Significance.

NM_004006.3(DMD):c.6134T>C (p.Leu2045Pro)

Gene: DMD (dystrophin; minus strand). Cytogenetic location: Xp21.1.
Variant type: single nucleotide variant.
Coding change: c.6134T>C on transcript NM_004006.3 (MANE Select); coding-DNA position 6134, T replaced by C.
Protein change: p.Leu2045Pro; replaces leucine 2045 with proline.
Molecular consequence: missense variant.
Genome position (GRCh38, 1-based): chrX:32,287,685, A>G on the plus strand (T>C on the coding strand, the complement: DMD is on the minus strand). VCF-style: chrX-32287685-A-G. GRCh37 (hg19) VCF-style: chrX-32305802-A-G.
Other names: c.6110T>C, p.Leu2037Pro (NM_000109.4); c.6122T>C, p.Leu2041Pro (NM_004009.3); c.5765T>C, p.Leu1922Pro (NM_004010.3); c.2111T>C, p.Leu704Pro (NM_004011.4); c.2102T>C, p.Leu701Pro (NM_004012.4); short protein forms L1922P, L2037P, L2041P, L2045P, L701P, L704P.
Identifiers: ClinVar variation 4800957 (VCV004800957.1).